The following is an entry in ClinVar:

ClinVar aggregate classification (germline): Uncertain significance. Review status: criteria provided, multiple submitters, no conflicts (2 of 4 stars). 2 submissions from 2 submitters: Uncertain significance (2). Last evaluated 2024-11-08.

Conditions:
Inborn genetic diseases. Identifiers: MedGen C0950123, MeSH D030342.

Allele frequency attached by ClinVar (database versions not stated): gnomAD exomes 0.00001; ExAC 0.00002; ESP Exome Variant Server 0.00008; gnomAD 0.00009; TOPMed 0.00016; 1000 Genomes Project 0.00020; 1000 Genomes Project 30x 0.00031.
gnomAD v4.1: 25 of 1,614,194 alleles (0.0015%); highest among the groups gnomAD compares: African/African-American, 0.02%; no homozygotes.

Submissions (2):

Ambry Genetics
Classification: Uncertain significance for Inborn genetic diseases. Last evaluated: 2024-11-08. Review status: criteria provided, single submitter. Criteria: Ambry Variant Classification Scheme 2023. Collection method: clinical testing. Allele origin: germline.

Labcorp Genetics (formerly Invitae), Labcorp
Classification: Uncertain significance. Last evaluated: 2022-07-15. Review status: criteria provided, single submitter. Criteria: Invitae Variant Classification Sherloc (09022015). Collection method: clinical testing. Allele origin: germline.
Comment: This sequence change replaces phenylalanine, which is neutral and non-polar, with valine, which is neutral and non-polar, at codon 812 of the UBE3B protein (p.Phe812Val). This variant is present in population databases (rs201572763, gnomAD 0.03%). This variant has not been reported in the literature in individuals affected with UBE3B-related conditions. Algorithms developed to predict the effect of missense changes on protein structure and function are either unavailable or do not agree on the potential impact of this missense change (SIFT: "Deleterious"; PolyPhen-2: "Benign"; Align-GVGD: "Class C0"). In summary, the available evidence is currently insufficient to determine the role of this variant in disease. Therefore, it has been classified as a Variant of Uncertain Significance.

NM_130466.4(UBE3B):c.2434T>G (p.Phe812Val)

Gene: UBE3B (ubiquitin protein ligase E3B; plus strand). Cytogenetic location: 12q24.11.
Variant type: single nucleotide variant.
Coding change: c.2434T>G on transcript NM_130466.4 (MANE Select); coding-DNA position 2434, T replaced by G.
Protein change: p.Phe812Val; replaces phenylalanine 812 with valine.
Molecular consequence: missense variant.
Genome position (GRCh38, 1-based): chr12:109,524,047, T>G. VCF-style: chr12-109524047-T-G. GRCh37 (hg19) VCF-style: chr12-109961852-T-G.
Other names: c.2434T>G, p.Phe812Val (NM_183415.3); c.2434T>G (NM_130466.2); short protein forms F812V.
Identifiers: ClinVar variation 2065545 (VCV002065545.2), dbSNP rs201572763, ClinGen allele CA6778213.